The following is an entry in ClinVar:

NM_005188.4(CBL):c.500G>T (p.Gly167Val)

Gene: CBL (Cbl proto-oncogene; plus strand). Cytogenetic location: 11q23.3.
Variant type: single nucleotide variant.
Coding change: c.500G>T on transcript NM_005188.4 (MANE Select); coding-DNA position 500, G replaced by T.
Protein change: p.Gly167Val; replaces glycine 167 with valine.
Molecular consequence: missense variant.
Genome position (GRCh38, 1-based): chr11:119,271,791, G>T. VCF-style: chr11-119271791-G-T. GRCh37 (hg19) VCF-style: chr11-119142501-G-T.
Other names: short protein forms G167V.
Identifiers: ClinVar variation 3634380 (VCV003634380.2).

ClinVar aggregate classification (germline): Uncertain significance (1 of 4 stars; one submission).

Conditions:
RASopathy. Also called: rasopathies; Noonan spectrum disorder. Identifiers: Orphanet 536391, MedGen C5555857, MONDO:0021060.

Submission:

Labcorp Genetics (formerly Invitae), Labcorp
Classification: Uncertain significance for RASopathy. Last evaluated: 2024-06-23. Review status: criteria provided, single submitter. Criteria: Invitae Variant Classification Sherloc (09022015). Collection method: clinical testing. Allele origin: germline.
Comment: This sequence change replaces glycine, which is neutral and non-polar, with valine, which is neutral and non-polar, at codon 167 of the CBL protein (p.Gly167Val). This variant is not present in population databases (gnomAD no frequency). This variant has not been reported in the literature in individuals affected with CBL-related conditions. Advanced modeling of protein sequence and biophysical properties (such as structural, functional, and spatial information, amino acid conservation, physicochemical variation, residue mobility, and thermodynamic stability) performed at Invitae indicates that this missense variant is not expected to disrupt CBL protein function with a negative predictive value of 95%. In summary, the available evidence is currently insufficient to determine the role of this variant in disease. Therefore, it has been classified as a Variant of Uncertain Significance.